The following is an entry in ClinVar:

NM_170606.3(KMT2C):c.11651C>T (p.Thr3884Met)

Gene: KMT2C (lysine methyltransferase 2C; minus strand). Cytogenetic location: 7q36.1.
Variant type: single nucleotide variant.
Coding change: c.11651C>T on transcript NM_170606.3 (MANE Select); coding-DNA position 11651, C replaced by T.
Protein change: p.Thr3884Met; replaces threonine 3884 with methionine.
Molecular consequence: missense variant.
Genome position (GRCh38, 1-based): chr7:152,158,882, G>A on the plus strand (C>T on the coding strand, the complement: KMT2C is on the minus strand). VCF-style: chr7-152158882-G-A. GRCh37 (hg19) VCF-style: chr7-151855967-G-A.
Other names: short protein forms T3884M.
Identifiers: ClinVar variation 982790 (VCV000982790.11), dbSNP rs140246095, ClinGen allele CA4579042.

ClinVar aggregate classification (germline): Conflicting classifications of pathogenicity. Review status: criteria provided, conflicting classifications (1 of 4 stars). 3 submissions from 3 submitters: Uncertain significance (1); Likely benign (2). Last evaluated 2026-04-01.

Conditions:
Kleefstra syndrome 2 (KLEFS2). Identifiers: MedGen C4540395, MONDO:0054701, OMIM 617768.

Allele frequency attached by ClinVar (database versions not stated): ExAC 0.00006; ESP Exome Variant Server 0.00008; gnomAD exomes 0.00008; TOPMed 0.00008; 1000 Genomes Project 0.00020; 1000 Genomes Project 30x 0.00031.
gnomAD v4.1: 58 of 1,614,060 alleles (0.0036%); highest among the groups gnomAD compares: Admixed American, 0.018%; no homozygotes.

Submissions (3):

CeGaT Center for Human Genetics Tuebingen
Classification: Likely benign. Last evaluated: 2026-04-01. Review status: criteria provided, single submitter. Criteria: CeGaT Center For Human Genetics Tuebingen Variant Classification Criteria Version 2. Collection method: clinical testing. Allele origin: germline. Affected: yes. Observed: 1 variant allele.
Comment: KMT2C: BS2

Labcorp Genetics (formerly Invitae), Labcorp
Classification: Likely benign. Last evaluated: 2024-02-24. Review status: criteria provided, single submitter. Criteria: Invitae Variant Classification Sherloc (09022015). Collection method: clinical testing. Allele origin: germline.

Institute of Human Genetics, University of Leipzig Medical Center
Classification: Uncertain significance for Kleefstra syndrome 2. Last evaluated: 2019-01-01. Review status: criteria provided, single submitter. Criteria: ACMG Guidelines, 2015. Collection method: clinical testing. Allele origin: unknown. Affected: yes.